The following is an entry in ClinVar:

ClinVar aggregate classification (germline): Uncertain significance (1 of 4 stars; one submission).

Conditions:
HIVEP3-related disorder. Also called: HIVEP3-related condition.

Submission:

PreventionGenetics, part of Exact Sciences
Classification: Uncertain significance for HIVEP3-related condition. Last evaluated: 2025-01-05. Review status: criteria provided, single submitter. Criteria: ACMG Guidelines, 2015. Collection method: clinical testing. Allele origin: germline.
Comment: The HIVEP3 c.1963delA variant is predicted to result in a frameshift and premature protein termination (p.Arg655Glyfs*44). To our knowledge, this variant has not been reported in the literature or in a large population database (gnomAD), indicating this variant is rare. Loss of function is not an established mechanism of HIVEP3-related disease; however, HIVEP3 has a pLI of 1 in gnomAD suggesting it is loss-of-function intolerant. Although we suspect that this variant may be pathogenic, at this time, the clinical significance of this variant is uncertain due to the absence of conclusive functional and genetic evidence.

NM_024503.5(HIVEP3):c.1963del (p.Arg655fs)

Gene: HIVEP3 (HIVEP zinc finger 3; minus strand). Cytogenetic location: 1p34.2.
Variant type: Deletion.
Coding change: c.1963del on transcript NM_024503.5 (MANE Select); coding-DNA position 1963, one base deleted (A; older notation c.1963delA).
Protein change: p.Arg655fs; shifts the reading frame from arginine 655.
Molecular consequence: frameshift variant.
Genome position (GRCh38, 1-based): chr1:41,582,835, T deleted on the plus strand (A on the coding strand, the reverse complement: HIVEP3 is on the minus strand); the first of 4 consecutive T bases (chr1:41,582,835-41,582,838); deleting any one gives the same sequence. VCF-style (leftmost placement, unchanged base first): chr1-41582834-CT-C. GRCh37 (hg19) VCF-style: chr1-42048505-CT-C.
Other names: c.1963del, p.Arg655fs (NM_001127714.3); short protein forms R655fs.
Identifiers: ClinVar variation 4998587 (VCV004998587.1).